The following is an entry in ClinVar:

ClinVar aggregate classification (germline): Likely benign. Review status: criteria provided, single submitter (1 of 4 stars). 2 submissions from 2 submitters: Likely benign (1). 1 of the submissions does not count toward it. Last evaluated 2023-07-01.

Conditions:
TRIO-related disorder. Also called: TRIO-related condition; TRIO-related disorders.

Allele frequency attached by ClinVar (database versions not stated): ExAC 0.00004; gnomAD exomes 0.00004; gnomAD 0.00005 and 0.00006; TOPMed 0.00005; ESP Exome Variant Server 0.00008.
gnomAD v4.1: 59 of 1,613,940 alleles (0.0037%); highest among the groups gnomAD compares: Non-Finnish European, 0.0048%; no homozygotes.

Submissions (2):

CeGaT Center for Human Genetics Tuebingen
Classification: Likely benign. Last evaluated: 2023-07-01. Review status: criteria provided, single submitter. Criteria: CeGaT Center For Human Genetics Tuebingen Variant Classification Criteria Version 2. Collection method: clinical testing. Allele origin: germline. Affected: yes. Observed: 2 variant alleles.
Comment: TRIO: BP4, BP7

PreventionGenetics, part of Exact Sciences
Classification: Likely benign for TRIO-related condition. Last evaluated: 2019-05-28. Review status: no assertion criteria provided. Collection method: clinical testing. Allele origin: germline. Not counted in ClinVar's aggregate classification.
Comment: This variant is classified as likely benign based on ACMG/AMP sequence variant interpretation guidelines (Richards et al. 2015 PMID: 25741868, with internal and published modifications).

NM_007118.4(TRIO):c.5748C>T (p.Leu1916=)

Gene: TRIO (trio Rho guanine nucleotide exchange factor; plus strand). Cytogenetic location: 5p15.2.
Variant type: single nucleotide variant.
Coding change: c.5748C>T on transcript NM_007118.4 (MANE Select); coding-DNA position 5748, C replaced by T.
Protein change: p.Leu1916=; no amino-acid change (leucine 1916 retained).
Molecular consequence: synonymous variant. On other transcripts: non-coding transcript variant (1).
Genome position (GRCh38, 1-based): chr5:14,465,625, C>T. VCF-style: chr5-14465625-C-T. GRCh37 (hg19) VCF-style: chr5-14465734-C-T.
Other names: c.5748C>T (NM_007118.3).
Identifiers: ClinVar variation 1176486 (VCV001176486.36), dbSNP rs370130105, ClinGen allele CA3206831.